The following is an entry in ClinVar:

ClinVar aggregate classification (germline): Likely benign (1 of 4 stars; one submission).

Conditions:
RAI1-related disorder. Also called: RAI1-related condition.

gnomAD v4.1: 1 of 1,613,806 alleles (0.000062%); highest among the groups gnomAD compares: Non-Finnish European, 0.000085%; no homozygotes.

Submission:

PreventionGenetics, part of Exact Sciences
Classification: Likely benign for RAI1-related condition. Last evaluated: 2025-06-26. Review status: criteria provided, single submitter. Criteria: ACMG Guidelines, 2015. Collection method: clinical testing. Allele origin: germline.
Comment: This variant is classified as likely benign based on ACMG/AMP sequence variant interpretation guidelines (Richards et al. 2015 PMID: 25741868, with internal and published modifications).

NM_030665.4(RAI1):c.621C>A (p.Thr207=)

Gene: RAI1 (retinoic acid induced 1; plus strand). Cytogenetic location: 17p11.2.
Variant type: single nucleotide variant.
Coding change: c.621C>A on transcript NM_030665.4 (MANE Select); coding-DNA position 621, C replaced by A.
Protein change: p.Thr207=; no amino-acid change (threonine 207 retained).
Molecular consequence: synonymous variant.
Genome position (GRCh38, 1-based): chr17:17,793,569, C>A. VCF-style: chr17-17793569-C-A. GRCh37 (hg19) VCF-style: chr17-17696883-C-A.
Identifiers: ClinVar variation 4987978 (VCV004987978.1).